The following is an entry in ClinVar:

ClinVar aggregate classification (germline): Uncertain significance (1 of 4 stars; one submission).

Conditions:
Charcot-Marie-Tooth disease type 4A. Also called: Charcot-Marie-Tooth disease, demyelinating, autosomal recessive, type 4a. Identifiers: Orphanet 99948, MedGen C1859198, MONDO:0008961, OMIM 214400.

Submission:

Labcorp Genetics (formerly Invitae), Labcorp
Classification: Uncertain significance for Charcot-Marie-Tooth disease type 4A. Last evaluated: 2021-03-05. Review status: criteria provided, single submitter. Criteria: Invitae Variant Classification Sherloc (09022015). Collection method: clinical testing. Allele origin: germline.
Comment: This variant is not present in population databases (ExAC no frequency). In summary, the available evidence is currently insufficient to determine the role of this variant in disease. Therefore, it has been classified as a Variant of Uncertain Significance. This variant disrupts the p.Val219 amino acid residue in GDAP1. Other variant(s) that disrupt this residue have been observed in individuals with GDAP1-related conditions (PMID: 21692914, 19500985), which suggests that this may be a clinically significant amino acid residue. Algorithms developed to predict the effect of missense changes on protein structure and function are either unavailable or do not agree on the potential impact of this missense change (SIFT: "Deleterious"; PolyPhen-2: "Possibly Damaging"; Align-GVGD: "Class C15"). This variant has been observed in individual(s) with Charcot-Marie-Tooth disease (Invitae). ClinVar contains an entry for this variant (Variation ID: 960856). This sequence change replaces valine with alanine at codon 219 of the GDAP1 protein (p.Val219Ala). The valine residue is highly conserved and there is a small physicochemical difference between valine and alanine.

Literature cited by the submitters: PubMed 21692914; PubMed 19500985.

NM_018972.4(GDAP1):c.656T>C (p.Val219Ala)

Gene: GDAP1 (ganglioside induced differentiation associated protein 1; plus strand). Cytogenetic location: 8q21.11.
Variant type: single nucleotide variant.
Coding change: c.656T>C on transcript NM_018972.4 (MANE Select); coding-DNA position 656, T replaced by C.
Protein change: p.Val219Ala; replaces valine 219 with alanine.
Molecular consequence: missense variant.
Genome position (GRCh38, 1-based): chr8:74,363,015, T>C. VCF-style: chr8-74363015-T-C. GRCh37 (hg19) VCF-style: chr8-75275250-T-C.
Other names: c.452T>C, p.Val151Ala (NM_001040875.4); c.329T>C, p.Val110Ala (NM_001362929.2, NM_001362932.2); c.482T>C, p.Val161Ala (NM_001362930.2); c.656T>C, p.Val219Ala (NM_001362931.2); short protein forms V161A, V110A, V151A, V219A.
Identifiers: ClinVar variation 960856 (VCV000960856.10), dbSNP rs1586806206, ClinGen allele CA371549622.